The following is an entry in ClinVar:

ClinVar aggregate classification (germline): Likely benign. Review status: criteria provided, multiple submitters, no conflicts (2 of 4 stars). 5 submissions from 5 submitters: Likely benign (4). 1 of the submissions does not count toward it. Last evaluated 2026-01-09.

Conditions:
Fraser syndrome 1 (FRASRS1). Also called: CRYPTOPHTHALMOS WITH OTHER MALFORMATIONS. Identifiers: Orphanet 2052, MedGen C4551480, MONDO:0054737, OMIM 219000.
FRAS1-related disorder. Also called: FRAS1-related condition.

Allele frequency attached by ClinVar (database versions not stated): gnomAD exomes 0.00001 and 0.00008; ExAC 0.00008; ESP Exome Variant Server 0.00008; gnomAD 0.00019; TOPMed 0.00020.
gnomAD v4.1: 108 of 1,613,866 alleles (0.0067%); highest among the groups gnomAD compares: African/African-American, 0.032%; 1 homozygote.

Submissions (5):

Labcorp Genetics (formerly Invitae), Labcorp
Classification: Likely benign. Last evaluated: 2026-01-09. Review status: criteria provided, single submitter. Criteria: Invitae Variant Classification Sherloc (09022015). Collection method: clinical testing. Allele origin: germline.

Blueprint Genetics
Classification: Likely benign. Last evaluated: 2024-11-26. Review status: criteria provided, single submitter. Criteria: ACMG Guidelines, 2015. Collection method: clinical testing. Allele origin: germline.

Fulgent Genetics
Classification: Likely benign for Fraser syndrome 1. Last evaluated: 2021-11-03. Review status: criteria provided, single submitter. Criteria: ACMG Guidelines, 2015. Collection method: clinical testing. Allele origin: unknown.

Genetic Services Laboratory, University of Chicago
Classification: Likely benign. Last evaluated: 2016-12-14. Review status: criteria provided, single submitter. Criteria: ACMG Guidelines, 2015. Collection method: clinical testing. Allele origin: germline. Affected: no.

PreventionGenetics, part of Exact Sciences
Classification: Likely benign for FRAS1-related condition. Last evaluated: 2024-09-25. Review status: no assertion criteria provided. Collection method: clinical testing. Allele origin: germline. Not counted in ClinVar's aggregate classification.
Comment: This variant is classified as likely benign based on ACMG/AMP sequence variant interpretation guidelines (Richards et al. 2015 PMID: 25741868, with internal and published modifications).

NM_025074.7(FRAS1):c.11871G>A (p.Arg3957=)

Gene: FRAS1 (Fraser extracellular matrix complex subunit 1; plus strand). Cytogenetic location: 4q21.21.
Variant type: single nucleotide variant.
Coding change: c.11871G>A on transcript NM_025074.7 (MANE Select); coding-DNA position 11871, G replaced by A.
Protein change: p.Arg3957=; no amino-acid change (arginine 3957 retained).
Molecular consequence: synonymous variant.
Genome position (GRCh38, 1-based): chr4:78,540,956, G>A. VCF-style: chr4-78540956-G-A. GRCh37 (hg19) VCF-style: chr4-79462110-G-A.
Identifiers: ClinVar variation 435259 (VCV000435259.18), dbSNP rs367585112, ClinGen allele CA2979315.